The following is an entry in ClinVar:

ClinVar aggregate classification (germline): Likely pathogenic (1 of 4 stars; one submission).

Conditions:
Aicardi-Goutieres syndrome 1. Also called: CREE ENCEPHALITIS; ENCEPHALOPATHY, FAMILIAL INFANTILE, WITH INTRACRANIAL CALCIFICATION AND CHRONIC CEREBROSPINAL FLUID LYMPHOCYTOSIS; PSEUDOTOXOPLASMOSIS SYNDROME. Identifiers: Orphanet 51, MedGen C0796126, MONDO:0009165, OMIM 225750.

Submission:

Institute of Human Genetics, University of Leipzig Medical Center
Classification: Likely pathogenic for Aicardi-Goutieres syndrome 1. Last evaluated: 2023-11-13. Review status: criteria provided, single submitter. Criteria: ACMG Guidelines, 2015. Collection method: clinical testing. Allele origin: inherited. Inheritance: Autosomal recessive inheritance. Affected: yes.
Comment: Criteria applied: PM5_STR,PM2_SUP,PP3,PM3_SUP

NM_033629.6(TREX1):c.341G>T (p.Arg114Leu)

Genes: ATRIP (ATR interacting protein; plus strand), ATRIP-TREX1 (ATRIP-TREX1 readthrough; plus strand), TREX1 (three prime repair exonuclease 1; plus strand). Cytogenetic location: 3p21.31.
Variant type: single nucleotide variant.
Coding change: c.341G>T on transcript NM_033629.6 (MANE Select); coding-DNA position 341, G replaced by T.
Protein change: p.Arg114Leu; replaces arginine 114 with leucine.
Molecular consequence: missense variant. On other transcripts: non-coding transcript variant (1), 3 prime UTR variant (4).
Genome position (GRCh38, 1-based): chr3:48,466,996, G>T. VCF-style: chr3-48466996-G-T. GRCh37 (hg19) VCF-style: chr3-48508395-G-T.
Other names: c.311G>T, p.Arg104Leu (NM_007248.5); c.*1442G>T (NM_001271022.2, NM_001271023.2, NM_032166.4 and 1 more transcripts); short protein forms R104L, R114L.
Identifiers: ClinVar variation 2665003 (VCV002665003.3), dbSNP rs72556554, ClinGen allele CA352617907.
Genomic context (GRCh38, chr3:48,466,996, plus strand): 5'-CGCATGGGCGTCAATGTTTTGATGACAACCTGGCCAACCTGCTCCTAGCCTTCCTGCGGC[G>T]CCAGCCACAGCCCTGGTGCCTGGTGGCACACAATGGTGACCGCTACGACTTCCCCCTGCT-3'
Protein context (NP_338599.1, residues 104-124): LANLLLAFLR[Arg114Leu]QPQPWCLVAH